The following is an entry in ClinVar:

ClinVar aggregate classification (germline): Likely benign (1 of 4 stars; one submission).

Allele frequency attached by ClinVar (database versions not stated): gnomAD 0.00001 and 0.00003; TOPMed 0.00001 and 0.00002.
gnomAD v4.1: 7 of 1,442,734 alleles (0.00049%); highest among the groups gnomAD compares: Non-Finnish European, 0.00063%; no homozygotes.

Submission:

GeneDx
Classification: Likely benign. Last evaluated: 2017-08-01. Review status: criteria provided, single submitter. Criteria: GeneDx Variant Classification (06012015). Collection method: clinical testing. Allele origin: germline. Affected: yes.
Comment: This variant is considered likely benign or benign based on one or more of the following criteria: it is a conservative change, it occurs at a poorly conserved position in the protein, it is predicted to be benign by multiple in silico algorithms, and/or has population frequency not consistent with disease.

NM_152416.4(NDUFAF6):c.63C>T (p.Cys21=)

Genes: NDUFAF6 (NADH:ubiquinone oxidoreductase complex assembly factor 6; plus strand), LOC113788297 (Sharpr-MPRA regulatory region 2014; plus strand). Cytogenetic location: 8q22.1.
Variant type: single nucleotide variant.
Coding change: c.63C>T on transcript NM_152416.4 (MANE Select); coding-DNA position 63, C replaced by T.
Protein change: p.Cys21=; no amino-acid change (cysteine 21 retained).
Molecular consequence: synonymous variant. On other transcripts: 5 prime UTR variant (12), non-coding transcript variant (6), intron variant (7).
Genome position (GRCh38, 1-based): chr8:95,025,071, C>T. VCF-style: chr8-95025071-C-T. GRCh37 (hg19) VCF-style: chr8-96037299-C-T.
Other names: c.-218C>T (NM_001330582.2, NM_001354521.2); c.-171C>T (NM_001354517.2); c.-390C>T (NM_001354518.2); c.-386C>T (NM_001354519.2); c.-735C>T (NM_001354527.2); c.-706C>T (NM_001354528.2); c.-518C>T (NM_001354529.2); c.-620C>T (NM_001354530.2); and 8 more.
Identifiers: ClinVar variation 510881 (VCV000510881.1), dbSNP rs1261710063, ClinGen allele CA462299130.